The following is an entry in ClinVar:

NM_174889.5(NDUFAF2):c.259-255A>G

Gene: NDUFAF2 (NADH:ubiquinone oxidoreductase complex assembly factor 2; plus strand). Cytogenetic location: 5q12.1.
Variant type: single nucleotide variant.
Coding change: c.259-255A>G on transcript NM_174889.5 (MANE Select); 255 bases into the intron before coding-DNA position 259, A replaced by G.
Molecular consequence: intron variant.
Genome position (GRCh38, 1-based): chr5:61,152,449, A>G. VCF-style: chr5-61152449-A-G. GRCh37 (hg19) VCF-style: chr5-60448276-A-G.
Identifiers: ClinVar variation 680678 (VCV000680678.2), dbSNP rs810884, ClinGen allele CA15373269.
Genomic context (GRCh38, chr5:61,152,449, plus strand): 5'-CTTTCATAGAGTGTCTCAGGCTTCTGTGTAATATTTCACATTTGTTTGTTTCATTTTTTG[A>G]GTAGTAAATATTTCTACTGTGGGGTGCTTCATGTCTATTATAGCATAAAATCAGGACAGA-3'

ClinVar aggregate classification (germline): Benign. Review status: criteria provided, multiple submitters, no conflicts (2 of 4 stars). 2 submissions from 2 submitters: Benign (2). Last evaluated 2018-06-14.

Allele frequency attached by ClinVar (database versions not stated): TOPMed 0.62516; 1000 Genomes Project 30x 0.66802; 1000 Genomes Project 0.67432; gnomAD 0.61744 and 0.62432.
gnomAD v4.1: 95,031 of 151,880 alleles (63%); highest among the groups gnomAD compares: East Asian, 94%; 30,553 homozygotes.

Submissions (2):

GeneDx
Classification: Benign. Last evaluated: 2018-06-14. Review status: criteria provided, single submitter. Criteria: GeneDx Variant Classification (06012015). Collection method: clinical testing. Allele origin: germline. Affected: yes.
Comment: This variant is considered likely benign or benign based on one or more of the following criteria: it is a conservative change, it occurs at a poorly conserved position in the protein, it is predicted to be benign by multiple in silico algorithms, and/or has population frequency not consistent with disease.

Breakthrough Genomics
Classification: Benign. Review status: criteria provided, single submitter. Criteria: ACMG Guidelines, 2015. Collection method: not provided. Allele origin: germline. Inheritance: Autosomal recessive inheritance. Affected: yes.